The following is an entry in ClinVar:

ClinVar aggregate classification (germline): Uncertain significance (1 of 4 stars; one submission).

Conditions:
Bethlem myopathy 1A. Also called: Bethlem myopathy 1; Bethlem Muscular Dystrophy; MYOPATHY, BENIGN CONGENITAL, WITH CONTRACTURES. Identifiers: Orphanet 610, MedGen CN029274, MONDO:0024530, OMIM 158810.

Submission:

Labcorp Genetics (formerly Invitae), Labcorp
Classification: Uncertain significance for Bethlem myopathy 1A. Last evaluated: 2025-04-07. Review status: criteria provided, single submitter. Criteria: Invitae Variant Classification Sherloc (09022015). Collection method: clinical testing. Allele origin: germline.
Comment: This sequence change replaces arginine, which is basic and polar, with serine, which is neutral and polar, at codon 738 of the COL6A3 protein (p.Arg738Ser). This variant is not present in population databases (gnomAD no frequency). This variant has not been reported in the literature in individuals affected with COL6A3-related conditions. ClinVar contains an entry for this variant (Variation ID: 1465221). Invitae Evidence Modeling of protein sequence and biophysical properties (such as structural, functional, and spatial information, amino acid conservation, physicochemical variation, residue mobility, and thermodynamic stability) indicates that this missense variant is not expected to disrupt COL6A3 protein function with a negative predictive value of 95%. In summary, the available evidence is currently insufficient to determine the role of this variant in disease. Therefore, it has been classified as a Variant of Uncertain Significance.

NM_004369.4(COL6A3):c.2214G>T (p.Arg738Ser)

Gene: COL6A3 (collagen type VI alpha 3 chain; minus strand). Cytogenetic location: 2q37.3.
Variant type: single nucleotide variant.
Coding change: c.2214G>T on transcript NM_004369.4 (MANE Select); coding-DNA position 2214, G replaced by T.
Protein change: p.Arg738Ser; replaces arginine 738 with serine.
Molecular consequence: missense variant. On other transcripts: intron variant (1).
Genome position (GRCh38, 1-based): chr2:237,378,919, C>A on the plus strand (G>T on the coding strand, the complement: COL6A3 is on the minus strand). VCF-style: chr2-237378919-C-A. GRCh37 (hg19) VCF-style: chr2-238287562-C-A.
Other names: c.993G>T, p.Arg331Ser (NM_057164.5); c.1596G>T, p.Arg532Ser (NM_057165.5, NM_057167.4); c.677-1575G>T (NM_057166.5); short protein forms R532S, R331S, R738S.
Identifiers: ClinVar variation 1465221 (VCV001465221.6), dbSNP rs1410013839, ClinGen allele CA351213661.